The following is an entry in ClinVar:

NM_000536.4(RAG2):c.1329G>C (p.Met443Ile)

Gene: RAG2 (recombination activating 2; minus strand). Cytogenetic location: 11p12.
Variant type: single nucleotide variant.
Coding change: c.1329G>C on transcript NM_000536.4 (MANE Select); coding-DNA position 1329, G replaced by C.
Protein change: p.Met443Ile; replaces methionine 443 with isoleucine.
Molecular consequence: missense variant.
Genome position (GRCh38, 1-based): chr11:36,592,840, C>G on the plus strand (G>C on the coding strand, the complement: RAG2 is on the minus strand). VCF-style: chr11-36592840-C-G. GRCh37 (hg19) VCF-style: chr11-36614390-C-G.
Other names: c.1329G>C, p.Met443Ile (NM_001243785.2, NM_001243786.2); short protein forms M443I.
Identifiers: ClinVar variation 2952277 (VCV002952277.3), dbSNP rs773710101, ClinGen allele CA380140607.

ClinVar aggregate classification (germline): Pathogenic (1 of 4 stars; one submission).

Conditions:
Severe combined immunodeficiency, autosomal recessive, T cell-negative, B cell-negative, NK cell-positive. Also called: SCID, AR, T-cell negative, B-cell negative, NK cell-positive; SCID, T CELL-NEGATIVE, B CELL-NEGATIVE, NK CELL-POSITIVE; Severe combined immunodeficiency due to complete RAG1/2 deficiency. Identifiers: Orphanet 331206, MedGen C1832322, MONDO:0011086, OMIM 601457.
Combined immunodeficiency with skin granulomas. Identifiers: Orphanet 157949, MedGen C2673536, MONDO:0009306, OMIM 233650.

gnomAD v4.1: 1 of 1,614,130 alleles (0.000062%); highest among the groups gnomAD compares: Non-Finnish European, 0.000085%; no homozygotes.

Submission:

Labcorp Genetics (formerly Invitae), Labcorp
Classification: Pathogenic for Combined immunodeficiency with skin granulomas; Severe combined immunodeficiency, autosomal recessive, T cell-negative, B cell-negative, NK cell-positive. Last evaluated: 2023-09-26. Review status: criteria provided, single submitter. Criteria: Invitae Variant Classification Sherloc (09022015). Collection method: clinical testing. Allele origin: germline.
Comment: This sequence change replaces methionine, which is neutral and non-polar, with isoleucine, which is neutral and non-polar, at codon 443 of the RAG2 protein (p.Met443Ile). This variant is not present in population databases (gnomAD no frequency). This missense change has been observed in individual(s) with Omenn syndrome (PMID: 21131235). Advanced modeling of protein sequence and biophysical properties (such as structural, functional, and spatial information, amino acid conservation, physicochemical variation, residue mobility, and thermodynamic stability) performed at Invitae indicates that this missense variant is expected to disrupt RAG2 protein function. Experimental studies have shown that this missense change affects RAG2 function (PMID: 21131235, 29772310). For these reasons, this variant has been classified as Pathogenic.

Literature cited by the submitters: PubMed 21131235; PubMed 29772310.